The following is an entry in ClinVar:

ClinVar aggregate classification (germline): Uncertain significance (1 of 4 stars; one submission).

Submission:

GeneDx
Classification: Uncertain significance. Last evaluated: 2021-06-23. Review status: criteria provided, single submitter. Criteria: GeneDx Variant Classification Process June 2021. Collection method: clinical testing. Allele origin: germline. Affected: yes.
Comment: Not observed at significant frequency in large population cohorts (Lek et al., 2016); In silico analysis supports that this missense variant does not alter protein structure/function; Has not been previously published as pathogenic or benign to our knowledge; This variant is associated with the following publications: (PMID: 27535533)

NM_004360.5(CDH1):c.335C>T (p.Thr112Ile)

Gene: CDH1 (cadherin 1; plus strand). Cytogenetic location: 16q22.1.
Variant type: single nucleotide variant.
Coding change: c.335C>T on transcript NM_004360.5 (MANE Select); coding-DNA position 335, C replaced by T.
Protein change: p.Thr112Ile; replaces threonine 112 with isoleucine.
Molecular consequence: missense variant. On other transcripts: 5 prime UTR variant (2).
Genome position (GRCh38, 1-based): chr16:68,801,841, C>T. VCF-style: chr16-68801841-C-T. GRCh37 (hg19) VCF-style: chr16-68835744-C-T.
Other names: c.335C>T, p.Thr112Ile (NM_001317184.2); c.-1281C>T (NM_001317185.2); c.-1485C>T (NM_001317186.2); short protein forms T112I.
Identifiers: ClinVar variation 1329529 (VCV001329529.2), dbSNP rs2152126949, ClinGen allele CA396457414.